The following is an entry in ClinVar:

ClinVar aggregate classification (germline): Benign/Likely benign. Review status: criteria provided, multiple submitters, no conflicts (2 of 4 stars). 4 submissions from 4 submitters: Benign (1); Likely benign (3). Last evaluated 2026-01-27.

Conditions:
Hereditary cancer-predisposing syndrome. Also called: Tumor predisposition; Hereditary neoplastic syndrome; Hereditary Cancer Syndrome; Neoplastic Syndromes, Hereditary. Identifiers: Orphanet 140162, MedGen C0027672, MeSH D009386, MONDO:0015356.
Tuberous sclerosis 2 (TSC2). Identifiers: Orphanet 805, MedGen C1860707, MONDO:0013199, OMIM 613254.

Allele frequency attached by ClinVar (database versions not stated): gnomAD exomes below 0.00001 and 0.00002; gnomAD 0.00001; TOPMed 0.00001.
gnomAD v4.1: 28 of 1,613,470 alleles (0.0017%); highest among the groups gnomAD compares: Admixed American, 0.0033%; no homozygotes.

Submissions (4):

Labcorp Genetics (formerly Invitae), Labcorp
Classification: Likely benign for Tuberous sclerosis 2. Last evaluated: 2026-01-27. Review status: criteria provided, single submitter. Criteria: Invitae Variant Classification Sherloc (09022015). Collection method: clinical testing. Allele origin: germline.

Myriad Genetics, Inc.
Classification: Benign for Tuberous sclerosis 2. Last evaluated: 2025-05-19. Review status: criteria provided, single submitter. Criteria: Myriad Autosomal Dominant, Autosomal Recessive and X-Linked Classification Criteria (2023). Collection method: clinical testing. Allele origin: unknown.
Comment: This variant is considered benign. This variant is a silent/synonymous amino acid change and it is not expected to impact splicing.

CeGaT Center for Human Genetics Tuebingen
Classification: Likely benign. Last evaluated: 2025-05-01. Review status: criteria provided, single submitter. Criteria: CeGaT Center For Human Genetics Tuebingen Variant Classification Criteria Version 2. Collection method: clinical testing. Allele origin: germline. Affected: yes. Observed: 1 variant allele.
Comment: TSC2: BP4, BP7

Ambry Genetics
Classification: Likely benign for Hereditary cancer-predisposing syndrome. Last evaluated: 2020-02-19. Review status: criteria provided, single submitter. Criteria: Ambry Variant Classification Scheme 2023. Collection method: clinical testing. Allele origin: germline.

NM_000548.5(TSC2):c.2337C>T (p.Tyr779=)

Gene: TSC2 (TSC complex subunit 2; plus strand). Cytogenetic location: 16p13.3.
Variant type: single nucleotide variant.
Coding change: c.2337C>T on transcript NM_000548.5 (MANE Select); coding-DNA position 2337, C replaced by T.
Protein change: p.Tyr779=; no amino-acid change (tyrosine 779 retained).
Molecular consequence: synonymous variant.
Genome position (GRCh38, 1-based): chr16:2,072,965, C>T. VCF-style: chr16-2072965-C-T. GRCh37 (hg19) VCF-style: chr16-2122966-C-T.
Other names: c.2337C>T, p.Tyr779= (NM_001077183.3, NM_001114382.3, NM_001363528.2 and 3 more transcripts); c.2226C>T, p.Tyr742= (NM_001318827.2); c.2190C>T, p.Tyr730= (NM_001318829.2); c.1737C>T, p.Tyr579= (NM_001318831.2); c.2370C>T, p.Tyr790= (NM_001318832.2).
Identifiers: ClinVar variation 413737 (VCV000413737.24), dbSNP rs1060504118, ClinGen allele CA16614949.
Genomic context (GRCh38, chr16:2,072,965, plus strand): 5'-AACTGACTTGCACCTGGCCGTGGTTCCAGTGCTGACAGCATTAATCTCTTACCATAACTA[C>T]CTGGACAAAACCAAACAGGTAGGAGGTCAGAGCAGGACAGGCGAGCTTGATGGGGCCTGG-3'
Protein context (NP_000539.2, residues 769-789): VLTALISYHN[Tyr779=]LDKTKQREMV